The following is an entry in ClinVar:

ClinVar aggregate classification (germline): Uncertain significance. Review status: criteria provided, multiple submitters, no conflicts (2 of 4 stars). 4 submissions from 4 submitters: Uncertain significance (4). Last evaluated 2026-04-14.

Conditions:
Progressive familial intrahepatic cholestasis type 2. Identifiers: Orphanet 79304, MedGen C3489789, MONDO:0011156, OMIM 601847.
Familial intrahepatic cholestasis. Identifiers: Orphanet 284385, MedGen CN296401, MONDO:0017290.

Allele frequency attached by ClinVar (database versions not stated): gnomAD exomes below 0.00001.
gnomAD v4.1: 1 of 1,613,842 alleles (0.000062%); highest among the groups gnomAD compares: Non-Finnish European, 0.000085%; no homozygotes.

Submissions (4):

Genomenon, Inc
Classification: Uncertain significance for Familial intrahepatic cholestasis. Last evaluated: 2026-04-14. Review status: criteria provided, single submitter. Criteria: Genomenon Sequence Variant Interpretation Standards - Updated. Collection method: curation. Allele origin: germline. Affected: yes.
Comment: ABCB11 p.Ile112Thr (c.335T>C) is a missense variant that changes the amino acid at residue 112 from Isoleucine to Threonine. This variant has been observed in at least one proband with an ABCB11-related disorder (PMID:31160058;20232290). It has been observed in trans with a pathogenic or likely pathogenic variant (PMID:31160058). It is absent or not present at a significant frequency in gnomAD. In silico models predict that this variant is possibly or probably damaging. In conclusion, we classify ABCB11 p.Ile112Thr (c.335T>C) as a variant of uncertain significance.

Broad Center for Mendelian Genomics, Broad Institute of MIT and Harvard
Classification: Uncertain significance for Progressive familial intrahepatic cholestasis type 2. Last evaluated: 2025-02-04. Review status: criteria provided, single submitter. Criteria: ACMG Guidelines, 2015. Collection method: curation. Allele origin: germline. Inheritance: Autosomal recessive inheritance.
Comment: The p.Ile112Thr variant in ABCB11 has been reported in two individuals with BSEP deficiency (PMID: 20232290, 31160058), and has been identified in 0.00008% (1/1179770) of European (non-Finnish) chromosomes by the Genome Aggregation Database (gnomAD). Although this variant has been seen in the general population in a heterozygous state, its frequency is low enough to be consistent with a recessive carrier frequency. This variant has also been reported in ClinVar (Variation ID: 2637594) and has been interpreted as a variant of uncertain significance by Women's Health and Genetics/Laboratory Corporation of America (LabCorp). Of the 2 affected individuals, 1 was a compound heterozygote that carried a reported pathogenic variant in trans, which increases the likelihood that the p.Ile112Thr variant is pathogenic (Variation ID: 596620; PMID: 31160058). Computational prediction tools and conservation analyses suggest that this variant may impact the protein, though this information is not predictive enough to determine pathogenicity. In summary, the clinical significance of the p.Ile112Thr variant is uncertain. ACMG/AMP Criteria applied: PM3, PP3, PM2_supporting (Richards 2015).

Mayo Clinic Laboratories, Mayo Clinic
Classification: Uncertain significance. Last evaluated: 2024-09-12. Review status: criteria provided, single submitter. Criteria: ACMG Guidelines, 2015. Collection method: clinical testing. Allele origin: germline. Observed: 1 variant allele.
Comment: PM2, PM3

Women's Health and Genetics/Laboratory Corporation of America, LabCorp
Classification: Uncertain significance. Last evaluated: 2023-10-04. Review status: criteria provided, single submitter. Criteria: LabCorp Variant Classification Summary - May 2015. Collection method: clinical testing. Allele origin: germline.
Comment: Variant summary: ABCB11 c.335T>C (p.Ile112Thr) results in a non-conservative amino acid change located in the ABC transporter type 1, transmembrane domain (IPR011527) of the encoded protein sequence. Four of five in-silico tools predict a damaging effect of the variant on protein function. The variant was absent in 249002 control chromosomes. The available data on variant occurrences in the general population are insufficient to allow any conclusion about variant significance. c.335T>C has been reported in the literature in individuals affected with Familial Intrahepatic Cholestasis (Nicastro_2019, Davit-Spraul_2010). These data do not allow any conclusion about variant significance. To our knowledge, no experimental evidence demonstrating an impact on protein function has been reported. The following publications have been ascertained in the context of this evaluation (PMID: 20232290, 31160058). No submitters have cited clinical-significance assessments for this variant to ClinVar after 2014. Based on the evidence outlined above, the variant was classified as uncertain significance.

Literature cited by the submitters: PubMed 31160058 (cited by 3 submitters); PubMed 20232290 (cited by 3 submitters).

NM_003742.4(ABCB11):c.335T>C (p.Ile112Thr)

Gene: ABCB11 (ATP binding cassette subfamily B member 11; minus strand). Cytogenetic location: 2q31.1.
Variant type: single nucleotide variant.
Coding change: c.335T>C on transcript NM_003742.4 (MANE Select); coding-DNA position 335, T replaced by C.
Protein change: p.Ile112Thr; replaces isoleucine 112 with threonine.
Molecular consequence: missense variant.
Genome position (GRCh38, 1-based): chr2:169,013,326, A>G on the plus strand (T>C on the coding strand, the complement: ABCB11 is on the minus strand). VCF-style: chr2-169013326-A-G. GRCh37 (hg19) VCF-style: chr2-169869836-A-G.
Other names: p.Ile112Thr; NM_003742.4(ABCB11):c.335T>C; short protein forms I112T.
Identifiers: ClinVar variation 2637594 (VCV002637594.4), dbSNP rs2545484677, ClinGen allele CA349104792.